The following is an entry in ClinVar:

ClinVar aggregate classification (germline): Pathogenic (1 of 4 stars; one submission).

Conditions:
Hereditary diffuse gastric adenocarcinoma (HDGC). Also called: DIFFUSE GASTRIC AND LOBULAR BREAST CANCER SYNDROME. Identifiers: Orphanet 26106, MedGen C1708349, MONDO:0007648, OMIM 137215.

Submission:

Labcorp Genetics (formerly Invitae), Labcorp
Classification: Pathogenic for Hereditary diffuse gastric adenocarcinoma. Last evaluated: 2020-02-10. Review status: criteria provided, single submitter. Criteria: Invitae Variant Classification Sherloc (09022015). Collection method: clinical testing. Allele origin: germline.
Comment: This variant has not been reported in the literature in individuals with CDH1-related conditions. This sequence change creates a premature translational stop signal (p.Glu547Aspfs*10) in the CDH1 gene. It is expected to result in an absent or disrupted protein product. This variant is not present in population databases (ExAC no frequency). Loss-of-function variants in CDH1 are known to be pathogenic (PMID: 15235021, 20373070). For these reasons, this variant has been classified as Pathogenic.

Literature cited by the submitters: PubMed 15235021; PubMed 20373070.

NM_004360.5(CDH1):c.1641del (p.Glu547fs)

Gene: CDH1 (cadherin 1; plus strand). Cytogenetic location: 16q22.1.
Variant type: Deletion.
Coding change: c.1641del on transcript NM_004360.5 (MANE Select); coding-DNA position 1641, one base deleted (G; older notation c.1641delG).
Protein change: p.Glu547fs; shifts the reading frame from glutamic acid 547.
Molecular consequence: frameshift variant. On other transcripts: intron variant (1).
Genome position (GRCh38, 1-based): chr16:68,819,355, G deleted. VCF-style (leftmost placement, unchanged base first): chr16-68819354-AG-A. GRCh37 (hg19) VCF-style: chr16-68853257-AG-A.
Other names: c.1458del, p.Glu486fs (NM_001317184.2); c.93del, p.Glu31fs (NM_001317185.2); c.-254-2646del (NM_001317186.2); short protein forms E31fs, E486fs, E547fs.
Identifiers: ClinVar variation 1069750 (VCV001069750.8), dbSNP rs2152136881, ClinGen allele CA2499223665.
Genomic context (GRCh38, chr16:68,819,354, plus strand): 5'-GAGACACTGCCAACTGGCTGGAGATTAATCCGGACACTGGTGCCATTTCCACTCGGGCTG[AG>A]CTGGACAGGGAGGATTTTGAGCACGTGAAGAACAGCACGTACACAGCCCTAATCATAGCT-3'